The following is an entry in ClinVar:

ClinVar aggregate classification (germline): Uncertain significance (1 of 4 stars; one submission).

Conditions:
Neuronal ceroid lipofuscinosis. Also called: Neuronal Ceroid Lipofuscinoses. Identifiers: Orphanet 216, Orphanet 79263, MedGen C0027877, MONDO:0016295. Disease mechanism: loss of function.

Allele frequency attached by ClinVar (database versions not stated): gnomAD exomes below 0.00001.
gnomAD v4.1: 1 of 1,613,288 alleles (0.000062%); no homozygotes.

Submission:

Labcorp Genetics (formerly Invitae), Labcorp
Classification: Uncertain significance for Neuronal ceroid lipofuscinosis. Last evaluated: 2020-01-15. Review status: criteria provided, single submitter. Criteria: Invitae Variant Classification Sherloc (09022015). Collection method: clinical testing. Allele origin: germline.
Comment: In summary, the available evidence is currently insufficient to determine the role of this variant in disease. Therefore, it has been classified as a Variant of Uncertain Significance. Algorithms developed to predict the effect of missense changes on protein structure and function (SIFT, PolyPhen-2, Align-GVGD) all suggest that this variant is likely to be tolerated, but these predictions have not been confirmed by published functional studies and their clinical significance is uncertain. This variant has not been reported in the literature in individuals with CTSD-related conditions. This variant is not present in population databases (ExAC no frequency). This sequence change replaces methionine with valine at codon 326 of the CTSD protein (p.Met326Val). The methionine residue is highly conserved and there is a small physicochemical difference between methionine and valine.

NM_001909.5(CTSD):c.976A>G (p.Met326Val)

Gene: CTSD (cathepsin D; minus strand). Cytogenetic location: 11p15.5.
Variant type: single nucleotide variant.
Coding change: c.976A>G on transcript NM_001909.5 (MANE Select); coding-DNA position 976, A replaced by G.
Protein change: p.Met326Val; replaces methionine 326 with valine.
Molecular consequence: missense variant.
Genome position (GRCh38, 1-based): chr11:1,753,898, T>C on the plus strand (A>G on the coding strand, the complement: CTSD is on the minus strand). VCF-style: chr11-1753898-T-C. GRCh37 (hg19) VCF-style: chr11-1775128-T-C.
Other names: short protein forms M326V.
Identifiers: ClinVar variation 1041358 (VCV001041358.7), dbSNP rs1425884068, ClinGen allele CA379093413.
Genomic context (GRCh38, chr11:1,753,898, plus strand): 5'-CTTTGCCTCCCAGCTTCAGTGTGATCGCGGGCAGGGTGGACACCTTCTCACAGGGGATCA[T>C]GTACTAAGAGGGGTCACAGCAGTGTCAGGGTGGTAGTGGTGGCCTTGGGGCTCCCCCTGC-3'
Protein context (NP_001900.1, residues 316-336): GAVPLIQGEY[Met326Val]IPCEKVSTLP